The following is an entry in ClinVar:

NM_015338.6(ASXL1):c.3992C>T (p.Pro1331Leu)

Gene: ASXL1 (ASXL transcriptional regulator 1; plus strand). Cytogenetic location: 20q11.21.
Variant type: single nucleotide variant.
Coding change: c.3992C>T on transcript NM_015338.6 (MANE Select); coding-DNA position 3992, C replaced by T.
Protein change: p.Pro1331Leu; replaces proline 1331 with leucine.
Molecular consequence: missense variant.
Genome position (GRCh38, 1-based): chr20:32,436,704, C>T. VCF-style: chr20-32436704-C-T. GRCh37 (hg19) VCF-style: chr20-31024507-C-T.
Other names: c.3809C>T, p.Pro1270Leu (NM_001363734.1); short protein forms P1270L, P1331L.
Identifiers: ClinVar variation 3791148 (VCV003791148.1).

ClinVar aggregate classification (germline): Uncertain significance (1 of 4 stars; one submission).

Conditions:
Inborn genetic diseases. Identifiers: MedGen C0950123, MeSH D030342.

Submission:

Ambry Genetics
Classification: Uncertain significance for Inborn genetic diseases. Last evaluated: 2024-12-12. Review status: criteria provided, single submitter. Criteria: Ambry Variant Classification Scheme 2023. Collection method: clinical testing. Allele origin: germline.
Comment: The p.P1331L variant (also known as c.3992C>T), located in coding exon 13 of the ASXL1 gene, results from a C to T substitution at nucleotide position 3992. The proline at codon 1331 is replaced by leucine, an amino acid with similar properties. This amino acid position is conserved. In addition, this alteration is predicted to be tolerated by in silico analysis. Based on the available evidence, the clinical significance of this variant remains unclear.